The following is an entry in ClinVar:

ClinVar aggregate classification (germline): Uncertain significance (1 of 4 stars; one submission).

Conditions:
Developmental and epileptic encephalopathy, 43 (DEE43). Also called: Epileptic encephalopathy, early infantile, 43. Identifiers: MedGen C4310712, MONDO:0014921, OMIM 617113.

Submission:

MVZ Medizinische Genetik Mainz
Classification: Uncertain significance for Developmental and epileptic encephalopathy, 43. Last evaluated: 2025-05-09. Review status: criteria provided, single submitter. Criteria: UK Practice Guidelines For Variant Classification V4 01 2020. Collection method: clinical testing. Allele origin: germline. Inheritance: Autosomal dominant inheritance. Affected: yes. Observed: 1 variant allele.
Comment: ACMG Criteria: PM1_SUP,PM2_SUP,PM5_SUP,PP2,PP3

NM_000814.6(GABRB3):c.484A>G (p.Met162Val)

Gene: GABRB3 (gamma-aminobutyric acid type A receptor subunit beta3; minus strand). Cytogenetic location: 15q12.
Variant type: single nucleotide variant.
Coding change: c.484A>G on transcript NM_000814.6 (MANE Select); coding-DNA position 484, A replaced by G.
Protein change: p.Met162Val; replaces methionine 162 with valine.
Molecular consequence: missense variant.
Genome position (GRCh38, 1-based): chr15:26,583,392, T>C on the plus strand (A>G on the coding strand, the complement: GABRB3 is on the minus strand). VCF-style: chr15-26583392-T-C. GRCh37 (hg19) VCF-style: chr15-26828539-T-C.
Other names: c.229A>G, p.Met77Val (NM_001191320.2, NM_001278631.2); c.271A>G, p.Met91Val (NM_001191321.3); c.484A>G, p.Met162Val (NM_021912.5); short protein forms M162V, M77V, M91V.
Identifiers: ClinVar variation 3900710 (VCV003900710.1).